The following is an entry in ClinVar:

NM_000282.4(PCCA):c.863G>A (p.Arg288Lys)

Gene: PCCA (propionyl-CoA carboxylase subunit alpha; plus strand). Cytogenetic location: 13q32.3.
Variant type: single nucleotide variant.
Coding change: c.863G>A on transcript NM_000282.4 (MANE Select); coding-DNA position 863, G replaced by A.
Protein change: p.Arg288Lys; replaces arginine 288 with lysine.
Molecular consequence: missense variant. On other transcripts: 5 prime UTR variant (3), non-coding transcript variant (5).
Genome position (GRCh38, 1-based): chr13:100,268,732, G>A. VCF-style: chr13-100268732-G-A. GRCh37 (hg19) VCF-style: chr13-100920986-G-A.
Other names: c.785G>A, p.Arg262Lys (NM_001127692.3, NM_001352607.2, NM_001352608.2); c.863G>A, p.Arg288Lys (NM_001178004.2, NM_001352605.2, NM_001352606.2 and 1 more transcripts); c.-83G>A (NM_001352610.2, NM_001352611.2, NM_001352612.2); short protein forms R288K, R262K.
Identifiers: ClinVar variation 218262 (VCV000218262.11), dbSNP rs879253810, ClinGen allele CA10575827.

ClinVar aggregate classification (germline): Pathogenic/Likely pathogenic. Review status: criteria provided, multiple submitters, no conflicts (2 of 4 stars). 4 submissions from 4 submitters: Pathogenic (2); Likely pathogenic (2). Last evaluated 2025-06-10.

Conditions:
Propionic acidemia (PROP). Also called: GLYCINEMIA, KETOTIC; HYPERGLYCINEMIA WITH KETOACIDOSIS AND LEUKOPENIA; KETOTIC HYPERGLYCINEMIA. Identifiers: Orphanet 35, MedGen C0268579, MONDO:0011628, OMIM 606054, HP:0003571.

Allele frequency attached by ClinVar (database versions not stated): gnomAD 0.00001; TOPMed 0.00001.
gnomAD v4.1: 1 of 1,614,024 alleles (0.000062%); highest among the groups gnomAD compares: African/African-American, 0.0013%; no homozygotes.

Submissions (4):

Natera, Inc.
Classification: Likely pathogenic for Propionic acidemia. Last evaluated: 2025-06-10. Review status: criteria provided, single submitter. Criteria: Natera Variant Classification Schema (03/2026). Collection method: clinical testing. Allele origin: germline.
Comment: The c.863G>A variant in PCCA is a missense variant predicted to cause substitution of arginine to lysine at amino acid 288. This variant is rare in the general population with a frequency below the threshold expected for the associated phenotype(s). This variant has been observed in one or more individuals affected with the associated recessive disease, as either homozygous or compound heterozygous with a second variant (PMID: 27227689). A different variant at the same position has been determined to be Pathogenic or Likely Pathogenic. Computational prediction algorithms indicate this variant is likely to affect gene or protein function. Given the available evidence, this variant is classified as Likely Pathogenic.

Women's Health and Genetics/Laboratory Corporation of America, LabCorp
Classification: Likely pathogenic for Propionic acidemia. Last evaluated: 2024-12-27. Review status: criteria provided, single submitter. Criteria: LabCorp Variant Classification Summary - May 2015. Collection method: clinical testing. Allele origin: germline.
Comment: Variant summary: PCCA c.863G>A (p.Arg288Lys) results in a conservative amino acid change located in the Biotin carboxylation domain profile (IPR050856) of the encoded protein sequence. Four of five in-silico tools predict a damaging effect of the variant on protein function. The variant was absent in 251352 control chromosomes. c.863G>A has been reported in the literature in individuals affected with Propionic Acidemia (Gupta_2016, Invitae). A different variant affecting the same codon has been classified on the pathogenic spectrum by our lab (c.862A>G, p.Arg288Gly). These data indicate that the variant is likely to be associated with disease. To our knowledge, no experimental evidence demonstrating an impact on protein function has been reported. The following publications have been ascertained in the context of this evaluation (PMID: 27227689).ClinVar contains an entry for this variant (Variation ID: 218262). Based on the evidence outlined above, the variant was classified as likely pathogenic.

Labcorp Genetics (formerly Invitae), Labcorp
Classification: Pathogenic for Propionic acidemia. Last evaluated: 2024-09-06. Review status: criteria provided, single submitter. Criteria: Invitae Variant Classification Sherloc (09022015). Collection method: clinical testing. Allele origin: germline.
Comment: This sequence change replaces arginine, which is basic and polar, with lysine, which is basic and polar, at codon 288 of the PCCA protein (p.Arg288Lys). This variant is present in population databases (no rsID available, gnomAD 0.01%). This missense change has been observed in individual(s) with propionic acidemia (PMID: 27227689; internal data). ClinVar contains an entry for this variant (Variation ID: 218262). Invitae Evidence Modeling of protein sequence and biophysical properties (such as structural, functional, and spatial information, amino acid conservation, physicochemical variation, residue mobility, and thermodynamic stability) has been performed for this missense variant. However, the output from this modeling did not meet the statistical confidence thresholds required to predict the impact of this variant on PCCA protein function. This variant disrupts the p.Arg288 amino acid residue in PCCA. Other variant(s) that disrupt this residue have been determined to be pathogenic (PMID: 20493181). This suggests that this residue is clinically significant, and that variants that disrupt this residue are likely to be disease-causing. For these reasons, this variant has been classified as Pathogenic.

Institute of Medical Genetics and Genomics, Sir Ganga Ram Hospital
Classification: Pathogenic for Propionic Acidemia. Last evaluated: 2014-01-01. Review status: criteria provided, single submitter. Criteria: Gupta et al. (Genet Test Mol Biomarkers 2016). Collection method: research. Allele origin: germline. Affected: yes. Observed: 1 variant allele. Study: ORGANIC ACIDURIAS.
Comment: Missense mutation

Literature cited by the submitters: PubMed 27227689 (cited by 3 submitters); PubMed 20493181 (cited by Labcorp Genetics (formerly Invitae), Labcorp).